The following is an entry in ClinVar:

NM_001164760.2(PRKAR1B):c.735G>A (p.Met245Ile)

Gene: PRKAR1B (protein kinase cAMP-dependent type I regulatory subunit beta; minus strand). Cytogenetic location: 7p22.3.
Variant type: single nucleotide variant.
Coding change: c.735G>A on transcript NM_001164760.2 (MANE Select); coding-DNA position 735, G replaced by A.
Protein change: p.Met245Ile; replaces methionine 245 with isoleucine.
Molecular consequence: missense variant.
Genome position (GRCh38, 1-based): chr7:584,542, C>T on the plus strand (G>A on the coding strand, the complement: PRKAR1B is on the minus strand). VCF-style: chr7-584542-C-T. GRCh37 (hg19) VCF-style: chr7-624179-C-T.
Other names: c.735G>A, p.Met245Ile (NM_001164758.2, NM_001164759.1, NM_001164761.2 and 2 more transcripts); short protein forms M245I.
Identifiers: ClinVar variation 3349888 (VCV003349888.2).

ClinVar aggregate classification (germline): Uncertain significance. Review status: criteria provided, single submitter (1 of 4 stars). 2 submissions from 2 submitters: Uncertain significance (1). 1 of the submissions does not count toward it. Last evaluated 2024-10-09.

Conditions:
PRKAR1B-related disorder. Also called: PRKAR1B-related condition.

Submissions (2):

Ambry Genetics
Classification: Uncertain significance. Last evaluated: 2024-10-09. Review status: criteria provided, single submitter. Criteria: Ambry Variant Classification Scheme 2023. Collection method: clinical testing. Allele origin: germline.

PreventionGenetics, part of Exact Sciences
Classification: Uncertain significance for PRKAR1B-related condition. Last evaluated: 2024-04-04. Review status: no assertion criteria provided. Collection method: clinical testing. Allele origin: germline. Not counted in ClinVar's aggregate classification.
Comment: The PRKAR1B c.735G>A variant is predicted to result in the amino acid substitution p.Met245Ile. To our knowledge, this variant has not been reported in the literature or in a large population database, indicating this variant is rare. At this time, the clinical significance of this variant is uncertain due to the absence of conclusive functional and genetic evidence.